The following is an entry in ClinVar:

ClinVar aggregate classification (germline): Pathogenic (1 of 4 stars; one submission).

Submission:

GeneDx
Classification: Pathogenic. Last evaluated: 2022-04-06. Review status: criteria provided, single submitter. Criteria: GeneDx Variant Classification Process June 2021. Collection method: clinical testing. Allele origin: germline. Affected: yes.
Comment: Nonsense variant predicted to result in protein truncation or nonsense mediated decay in a gene for which loss-of-function is a known mechanism of disease; Not observed in large population cohorts (gnomAD); Has not been previously published as pathogenic or benign to our knowledge

NM_001367721.1(CASK):c.1972C>T (p.Gln658Ter)

Gene: CASK (calcium/calmodulin dependent serine protein kinase; minus strand). Cytogenetic location: Xp11.4.
Variant type: single nucleotide variant.
Coding change: c.1972C>T on transcript NM_001367721.1 (MANE Select); coding-DNA position 1972, C replaced by T.
Protein change: p.Gln658Ter; replaces glutamine 658 with a stop codon.
Molecular consequence: nonsense.
Genome position (GRCh38, 1-based): chrX:41,553,786, G>A on the plus strand (C>T on the coding strand, the complement: CASK is on the minus strand). VCF-style: chrX-41553786-G-A. GRCh37 (hg19) VCF-style: chrX-41413039-G-A.
Other names: c.1885C>T, p.Gln629Ter (NM_001126055.3); c.1954C>T, p.Gln652Ter (NM_001410745.1); c.1972C>T, p.Gln658Ter (NM_003688.4); c.1903C>T, p.Gln635Ter (NM_001126054.3); short protein forms Q629*, Q635*, Q658*, Q652*.
Identifiers: ClinVar variation 1676383 (VCV001676383.2), dbSNP rs2147138406, ClinGen allele CA412992827.
Genomic context (GRCh38, chrX:41,553,786, plus strand): 5'-GAAGTTCAGGAGAAGGAATGAGACCTGCAGTTCCATTTTTGGAGTTTTCCAGTTTACCCT[G>A]CCACCAATTATGATCATCCTTACTAATAATCTGGATGATGTCACCAACTCTGAATCGAAT-3'